The following is an entry in ClinVar:

ClinVar aggregate classification (germline): Likely benign (1 of 4 stars; one submission).

Submission:

CeGaT Center for Human Genetics Tuebingen
Classification: Likely benign. Last evaluated: 2026-05-01. Review status: criteria provided, single submitter. Criteria: CeGaT Center For Human Genetics Tuebingen Variant Classification Criteria Version 2. Collection method: clinical testing. Allele origin: germline. Affected: yes. Observed: 1 variant allele.
Comment: PLIN4: PM2:Supporting, BP4, BP7

NM_001367868.2(PLIN4):c.2770_2772delinsTTA (p.Leu924=)

Gene: PLIN4 (perilipin 4; minus strand). Cytogenetic location: 19p13.3.
Variant type: Indel.
Coding change: c.2770_2772delinsTTA on transcript NM_001367868.2 (MANE Select); coding-DNA positions 2770 to 2772, CTG replaced by TTA.
Protein change: p.Leu924=; no amino-acid change (leucine 924 retained).
Molecular consequence: synonymous variant.
Genome position (GRCh38, 1-based): chr19:4,511,188-4,511,190, CAG replaced by TAA on the plus strand (CTG replaced by TTA on the coding strand, the reverse complement: PLIN4 is on the minus strand). VCF-style: chr19-4511188-CAG-TAA. GRCh37 (hg19) VCF-style: chr19-4511200-CAG-TAA.
Other names: c.2773_2775delinsTTA, p.Leu925= (NM_001393888.1, NM_001393889.1); c.2770_2772delinsTTA, p.Leu924= (NM_001393890.1, NM_001393891.1).
Identifiers: ClinVar variation 4874912 (VCV004874912.2).